The following is an entry in ClinVar:

ClinVar aggregate classification (germline): Uncertain significance (1 of 4 stars; one submission).

Allele frequency attached by ClinVar (database versions not stated): gnomAD exomes 0.00001 and 0.00002; TOPMed 0.00001; gnomAD 0.00002; ExAC 0.00003.
gnomAD v4.1: 17 of 1,613,810 alleles (0.0011%); highest among the groups gnomAD compares: African/African-American, 0.0067%; no homozygotes.

Submission:

Labcorp Genetics (formerly Invitae), Labcorp
Classification: Uncertain significance. Last evaluated: 2022-02-19. Review status: criteria provided, single submitter. Criteria: Invitae Variant Classification Sherloc (09022015). Collection method: clinical testing. Allele origin: germline.
Comment: Algorithms developed to predict the effect of missense changes on protein structure and function are either unavailable or do not agree on the potential impact of this missense change (SIFT: "Tolerated"; PolyPhen-2: "Probably Damaging"; Align-GVGD: "Class C0"). ClinVar contains an entry for this variant (Variation ID: 969511). This variant has not been reported in the literature in individuals affected with SZT2-related conditions. This variant is present in population databases (rs749628931, gnomAD 0.01%). This sequence change replaces arginine, which is basic and polar, with glutamine, which is neutral and polar, at codon 3335 of the SZT2 protein (p.Arg3335Gln). In summary, the available evidence is currently insufficient to determine the role of this variant in disease. Therefore, it has been classified as a Variant of Uncertain Significance.

NM_001365999.1(SZT2):c.10175G>A (p.Arg3392Gln)

Gene: SZT2 (SZT2 subunit of KICSTOR complex; plus strand). Cytogenetic location: 1p34.2.
Variant type: single nucleotide variant.
Coding change: c.10175G>A on transcript NM_001365999.1 (MANE Select); coding-DNA position 10175, G replaced by A.
Protein change: p.Arg3392Gln; replaces arginine 3392 with glutamine.
Molecular consequence: missense variant.
Genome position (GRCh38, 1-based): chr1:43,450,356, G>A. VCF-style: chr1-43450356-G-A. GRCh37 (hg19) VCF-style: chr1-43916027-G-A.
Other names: c.10004G>A, p.Arg3335Gln (NM_015284.4); short protein forms R3392Q, R3335Q.
Identifiers: ClinVar variation 969511 (VCV000969511.9), dbSNP rs749628931, ClinGen allele CA811127.
Genomic context (GRCh38, chr1:43,450,356, plus strand): 5'-GCCCTCCTCTCACCAGTGCATCCCCACCGTGTTCCCCACAGTCTCTGACAGTGGTTTTCC[G>A]AGAGCCCTTCCCAGTACAGCCCCAGGACAGCGAGAGCCCCCCTGCCCAACTGGTCTCCAC-3'
Protein context (NP_001352928.1, residues 3382-3402): LGKTSLTVVF[Arg3392Gln]EPFPVQPQDS